The following is an entry in ClinVar:

ClinVar aggregate classification (germline): Uncertain significance (1 of 4 stars; one submission).

Submission:

Labcorp Genetics (formerly Invitae), Labcorp
Classification: Uncertain significance. Last evaluated: 2024-05-12. Review status: criteria provided, single submitter. Criteria: Invitae Variant Classification Sherloc (09022015). Collection method: clinical testing. Allele origin: germline.
Comment: This variant, c.951_959dup, results in the insertion of 3 amino acid(s) of the HNF4A protein (p.Leu318_Pro320dup), but otherwise preserves the integrity of the reading frame. This variant is not present in population databases (gnomAD no frequency). This variant has not been reported in the literature in individuals affected with HNF4A-related conditions. In summary, the available evidence is currently insufficient to determine the role of this variant in disease. Therefore, it has been classified as a Variant of Uncertain Significance.

NM_175914.5(HNF4A):c.951_959dup (p.Pro320_Thr321insLeuLeuPro)

Gene: HNF4A (hepatocyte nuclear factor 4 alpha; plus strand). Cytogenetic location: 20q13.12.
Variant type: Duplication.
Coding change: c.951_959dup on transcript NM_175914.5 (MANE Select); coding-DNA positions 951 to 959, 9 bases duplicated (GCTGCTGCC; older notation c.951_959dupGCTGCTGCC).
Protein change: p.Pro320_Thr321insLeuLeuPro.
Genome position (GRCh38, 1-based): chr20:44,424,142-44,424,150, GCTGCTGCC duplicated. VCF-style (leftmost placement, unchanged base first): chr20-44424141-T-TGCTGCTGCC. GRCh37 (hg19) VCF-style: chr20-43052781-T-TGCTGCTGCC.
Other names: c.1017_1025dup, p.Pro342_Thr343insLeuLeuPro (NM_178849.3, NM_178850.3, NM_000457.6); c.951_959dup, p.Pro320_Thr321insLeuLeuPro (NM_001030003.3, NM_001030004.3); c.996_1004dup, p.Pro335_Thr336insLeuLeuPro (NM_001258355.2); c.942_950dup, p.Pro317_Thr318insLeuLeuPro (NM_001287182.2, NM_001287183.2, NM_001287184.2).
Identifiers: ClinVar variation 3652152 (VCV003652152.2).